The following is an entry in ClinVar:

NM_018238.4(AGK):c.671A>G (p.Tyr224Cys)

Gene: AGK (acylglycerol kinase; plus strand). Cytogenetic location: 7q34.
Variant type: single nucleotide variant.
Coding change: c.671A>G on transcript NM_018238.4 (MANE Select); coding-DNA position 671, A replaced by G.
Protein change: p.Tyr224Cys; replaces tyrosine 224 with cysteine.
Molecular consequence: missense variant.
Genome position (GRCh38, 1-based): chr7:141,636,962, A>G. VCF-style: chr7-141636962-A-G. GRCh37 (hg19) VCF-style: chr7-141336762-A-G.
Other names: c.671A>G, p.Tyr224Cys (NM_001364948.3); short protein forms Y224C.
Identifiers: ClinVar variation 383922 (VCV000383922.6), dbSNP rs1057521780, ClinGen allele CA16605695.

ClinVar aggregate classification (germline): Uncertain significance. Review status: criteria provided, multiple submitters, no conflicts (2 of 4 stars). 2 submissions from 2 submitters: Uncertain significance (2). Last evaluated 2022-05-18.

Conditions:
Sengers syndrome. Also called: MITOCHONDRIAL DNA DEPLETION SYNDROME 10 (CARDIOMYOPATHIC TYPE); Cardiomyopathy and cataract. Identifiers: Orphanet 1369, MedGen C1859317, MONDO:0008922, OMIM 212350.
Cataract 38. Also called: Cataract, autosomal recessive congenital 5; Cataract 38, autosomal recessive. Identifiers: Orphanet 91492, MedGen C3553494, MONDO:0013859, OMIM 614691.

Submissions (2):

Labcorp Genetics (formerly Invitae), Labcorp
Classification: Uncertain significance for Sengers syndrome; Cataract 38. Last evaluated: 2022-05-18. Review status: criteria provided, single submitter. Criteria: Invitae Variant Classification Sherloc (09022015). Collection method: clinical testing. Allele origin: germline.
Comment: In summary, the available evidence is currently insufficient to determine the role of this variant in disease. Therefore, it has been classified as a Variant of Uncertain Significance. Algorithms developed to predict the effect of missense changes on protein structure and function (SIFT, PolyPhen-2, Align-GVGD) all suggest that this variant is likely to be disruptive. ClinVar contains an entry for this variant (Variation ID: 383922). This variant has not been reported in the literature in individuals affected with AGK-related conditions. This variant is not present in population databases (gnomAD no frequency). This sequence change replaces tyrosine, which is neutral and polar, with cysteine, which is neutral and slightly polar, at codon 224 of the AGK protein (p.Tyr224Cys).

GeneDx
Classification: Uncertain significance. Last evaluated: 2016-02-09. Review status: criteria provided, single submitter. Criteria: GeneDx Variant Classification (06012015). Collection method: clinical testing. Allele origin: germline. Affected: yes.
Comment: The Y224C variant in the AGK gene has not been reported previously as a pathogenic variant, nor as a benign variant, to our knowledge. The Y224C variant was not observed in approximately 6500 individuals of European and African American ancestry in the NHLBI Exome Sequencing Project, indicating it is not a common benign variant in these populations. The Y224C variant is a non-conservative amino acid substitution, which occurs at a position that is conserved across species. In silico analysis predicts this variant is probably damaging to the protein structure/function.